The following is an entry in ClinVar:

NC_000012.11:g.(?_88494960)_(88512540_?)dup

Gene: CEP290 (centrosomal protein 290; minus strand). Cytogenetic location: 12q21.32.
Variant type: Duplication.
Identifiers: ClinVar variation 1459958 (VCV001459958.7).

ClinVar aggregate classification (germline): Pathogenic (1 of 4 stars; one submission).

Conditions:
Nephronophthisis. Also called: Juvenile Nephronophthisis. Identifiers: Orphanet 655, MedGen C0687120, MONDO:0019005, HP:0000090.
Meckel-Gruber syndrome. Also called: DYSENCEPHALIA SPLANCHNOCYSTICA; GRUBER SYNDROME; Dysencephalia splachnocystica. Identifiers: Orphanet 564, MedGen C0265215, MONDO:0018921.
Joubert syndrome. Also called: CEREBELLOPARENCHYMAL DISORDER IV; JOUBERT-BOLTSHAUSER SYNDROME; Familial aplasia of the vermis. Identifiers: Orphanet 475, MedGen C5979921, MONDO:0018772.

Submission:

Labcorp Genetics (formerly Invitae), Labcorp
Classification: Pathogenic for Joubert syndrome; Meckel-Gruber syndrome; Nephronophthisis. Last evaluated: 2023-12-25. Review status: criteria provided, single submitter. Criteria: Invitae Variant Classification Sherloc (09022015). Collection method: clinical testing. Allele origin: germline.
Comment: This variant results in a copy number gain of the genomic region encompassing exon(s) 16-26 of the CEP290 gene. While the exact position of this variant cannot be determined from the data, sub-genic copy number gains are generally in tandem (PMID: 25640679). This variant is predicted to be out-of-frame, and may result in an absent or disrupted protein product. Loss-of-function variants in CEP290 are known to be pathogenic (PMID: 16909394, 17345604, 20690115). A similar copy number variant has been observed in individuals with clinical features of CEP290-related conditions (Invitae). It has also been observed to segregate with disease in related individuals. For these reasons, this variant has been classified as Pathogenic.

Literature cited by the submitters: PubMed 25640679; PubMed 16909394; PubMed 17345604; PubMed 20690115.